The following is an entry in ClinVar:

ClinVar aggregate classification (germline): Likely benign (1 of 4 stars; one submission).

gnomAD v4.1: 588 of 1,439,934 alleles (0.041%); highest among the groups gnomAD compares: South Asian, 0.84%; 9 homozygotes.

Submission:

CeGaT Center for Human Genetics Tuebingen
Classification: Likely benign. Last evaluated: 2025-06-01. Review status: criteria provided, single submitter. Criteria: CeGaT Center For Human Genetics Tuebingen Variant Classification Criteria Version 2. Collection method: clinical testing. Allele origin: germline. Affected: yes. Observed: 1 variant allele.
Comment: FNTB: BP4, BP7

NM_002028.4(FNTB):c.1041G>T (p.Ala347=)

Genes: CHURC1-FNTB (CHURC1-FNTB readthrough; plus strand), FNTB (farnesyltransferase, CAAX box, subunit beta; plus strand), MAX (MYC associated transcriptional regulator X; minus strand). Cytogenetic location: 14q23.3.
Variant type: single nucleotide variant.
Coding change: c.1041G>T on transcript NM_002028.4 (MANE Select); coding-DNA position 1041, G replaced by T.
Protein change: p.Ala347=; no amino-acid change (alanine 347 retained).
Molecular consequence: synonymous variant. On other transcripts: intron variant (2).
Genome position (GRCh38, 1-based): chr14:65,053,323, G>T. VCF-style: chr14-65053323-G-T. GRCh37 (hg19) VCF-style: chr14-65520041-G-T.
Other names: c.903G>T, p.Ala301= (NM_001202558.2); c.1224G>T, p.Ala408= (NM_001202559.1); c.144+40385C>A (NM_001271069.2); c.171+40385C>A (NM_197957.4).
Identifiers: ClinVar variation 3905046 (VCV003905046.10).